The following is an entry in ClinVar:

NM_000179.3(MSH6):c.3425C>G (p.Thr1142Arg)

Gene: MSH6 (mutS homolog 6; plus strand). Cytogenetic location: 2p16.3.
Variant type: single nucleotide variant.
Coding change: c.3425C>G on transcript NM_000179.3 (MANE Select); coding-DNA position 3425, C replaced by G.
Protein change: p.Thr1142Arg; replaces threonine 1142 with arginine.
Molecular consequence: missense variant.
Genome position (GRCh38, 1-based): chr2:47,803,672, C>G. VCF-style: chr2-47803672-C-G. GRCh37 (hg19) VCF-style: chr2-48030811-C-G.
Other names: c.3035C>G, p.Thr1012Arg (NM_001281492.2); c.2519C>G, p.Thr840Arg (NM_001281493.2, NM_001281494.2); short protein forms T840R, T1012R, T1142R.
Identifiers: ClinVar variation 823757 (VCV000823757.5), dbSNP rs267608089, ClinGen allele CA346758942.

ClinVar aggregate classification (germline): Uncertain significance (1 of 4 stars; one submission).

Conditions:
Hereditary cancer-predisposing syndrome. Also called: Tumor predisposition; Hereditary neoplastic syndrome; Neoplastic Syndromes, Hereditary; Hereditary Cancer Syndrome. Identifiers: Orphanet 140162, MedGen C0027672, MeSH D009386, MONDO:0015356.

Submission:

Ambry Genetics
Classification: Uncertain significance for Hereditary cancer-predisposing syndrome. Last evaluated: 2026-08-19. Review status: criteria provided, single submitter. Criteria: Ambry Variant Classification Scheme 2023. Collection method: clinical testing. Allele origin: germline.
Comment: The p.T1142R variant (also known as c.3425C>G), located in coding exon 5 of the MSH6 gene, results from a C to G substitution at nucleotide position 3425. The threonine at codon 1142 is replaced by arginine, an amino acid with similar properties. This amino acid position is highly conserved in available vertebrate species. In addition, this alteration is predicted to be deleterious by in silico analysis. Based on the available evidence, the clinical significance of this variant remains unclear.